The following is an entry in ClinVar:

ClinVar aggregate classification (germline): Pathogenic/Likely pathogenic. Review status: criteria provided, multiple submitters, no conflicts (2 of 4 stars). 3 submissions from 3 submitters: Pathogenic (1); Likely pathogenic (2). Last evaluated 2025-10-07.

Conditions:
Alport syndrome. Also called: Hemorrhagic familial nephritis; Hemorrhagic hereditary nephritis; Congenital hereditary hematuria. Identifiers: Orphanet 63, MedGen C1567741, MONDO:0018965.

gnomAD v4.1: 3 of 1,614,010 alleles (0.00019%); highest among the groups gnomAD compares: Non-Finnish European, 0.00025%; no homozygotes.

Submissions (3):

Myriad Genetics, Inc.
Classification: Pathogenic for Alport syndrome. Last evaluated: 2025-10-07. Review status: criteria provided, single submitter. Criteria: Myriad Autosomal Dominant, Autosomal Recessive and X-Linked Classification Criteria (2023). Collection method: clinical testing. Allele origin: unknown.
Comment: NM_000092.4(COL4A4):c.1571G>A(G524E) is a missense variant classified as pathogenic in the context of Alport syndrome, COL4A4-related. G524E has been observed in cases with relevant disease (PMID: 36925663). Relevant functional assessments of this variant are not available in the literature. Internal structural analysis of the variant is supportive of pathogenicity. G524E has been observed in referenced population frequency databases. In summary, NM_000092.4(COL4A4):c.1571G>A(G524E) is a missense variant that has internal structural support for pathogenicity and has been observed more frequently in cases with the relevant disease than in healthy populations. Please note: this variant was assessed in the context of healthy population screening.

Natera, Inc.
Classification: Likely pathogenic for Alport syndrome. Last evaluated: 2025-09-04. Review status: criteria provided, single submitter. Criteria: Natera Variant Classification Schema (03/2026). Collection method: clinical testing. Allele origin: germline.
Comment: The c.1571G>A variant in COL4A4 is a missense variant predicted to cause substitution of glycine to glutamic acid at amino acid 524. This variant is rare in the general population with a frequency below the threshold expected for the associated phenotype(s). This variant has been observed in affected individual(s) with monoallelic occurrence (heterozygous/hemizygous) (PMID: 36925663). This variant is located in a functionally critical region of the protein. Computational prediction algorithms indicate this variant is likely to affect gene or protein function. Given the available evidence, this variant is classified as Likely Pathogenic.

Labcorp Genetics (formerly Invitae), Labcorp
Classification: Likely pathogenic. Last evaluated: 2025-08-30. Review status: criteria provided, single submitter. Criteria: Invitae Variant Classification Sherloc (09022015). Collection method: clinical testing. Allele origin: germline.
Comment: This sequence change replaces glycine, which is neutral and non-polar, with glutamic acid, which is acidic and polar, at codon 524 of the COL4A4 protein (p.Gly524Glu). This variant is present in population databases (rs772086694, gnomAD 0.0009%). This missense change has been observed in individuals with clinical features of Alport syndrome (PMID: 36925663; internal data). Invitae Evidence Modeling of protein sequence and biophysical properties (such as structural, functional, and spatial information, amino acid conservation, physicochemical variation, residue mobility, and thermodynamic stability) indicates that this missense variant is expected to disrupt COL4A4 protein function with a positive predictive value of 95%. In summary, the currently available evidence indicates that the variant is pathogenic, but additional data are needed to prove that conclusively. Therefore, this variant has been classified as Likely Pathogenic.

Literature cited by the submitters: PubMed 36925663 (cited by 3 submitters).

NM_000092.5(COL4A4):c.1571G>A (p.Gly524Glu)

Gene: COL4A4 (collagen type IV alpha 4 chain; minus strand). Cytogenetic location: 2q36.3.
Variant type: single nucleotide variant.
Coding change: c.1571G>A on transcript NM_000092.5 (MANE Select); coding-DNA position 1571, G replaced by A.
Protein change: p.Gly524Glu; replaces glycine 524 with glutamic acid.
Molecular consequence: missense variant.
Genome position (GRCh38, 1-based): chr2:227,088,705, C>T on the plus strand (G>A on the coding strand, the complement: COL4A4 is on the minus strand). VCF-style: chr2-227088705-C-T. GRCh37 (hg19) VCF-style: chr2-227953421-C-T.
Other names: short protein forms G524E.
Identifiers: ClinVar variation 4768591 (VCV004768591.3).